The following is an entry in ClinVar:

NM_145207.3(AFG2A):c.2239G>A (p.Asp747Asn)

Gene: AFG2A (AAA ATPase AFG2A; plus strand). Cytogenetic location: 4q28.1.
Variant type: single nucleotide variant.
Coding change: c.2239G>A on transcript NM_145207.3 (MANE Select); coding-DNA position 2239, G replaced by A.
Protein change: p.Asp747Asn; replaces aspartic acid 747 with asparagine.
Molecular consequence: missense variant.
Genome position (GRCh38, 1-based): chr4:123,090,604, G>A. VCF-style: chr4-123090604-G-A. GRCh37 (hg19) VCF-style: chr4-124011759-G-A.
Other names: c.2236G>A, p.Asp746Asn (NM_001345856.2); short protein forms D747N, D746N.
Identifiers: ClinVar variation 646882 (VCV000646882.5), dbSNP rs138229076, ClinGen allele CA3070691.
Genomic context (GRCh38, chr4:123,090,604, plus strand): 5'-TAAAGATATTTTTTAAACCGTACTTTCAAAATCAGTTCTTTAGGTGCTGGGAATGTAGCC[G>A]ATCGTGTTTTGGCTCAGCTCTTAACAGAAATGGATGGGATTGAACAGCTAAAGGATGTGA-3'
Protein context (NP_660208.2, residues 737-757): GSSLGAGNVA[Asp747Asn]RVLAQLLTEM

ClinVar aggregate classification (germline): Uncertain significance (1 of 4 stars; one submission).

Conditions:
Microcephaly-intellectual disability-sensorineural hearing loss-epilepsy-abnormal muscle tone syndrome (NEDHSB). Also called: NEURODEVELOPMENTAL DISORDER WITH HEARING LOSS, SEIZURES, AND BRAIN ABNORMALITIES. Identifiers: Orphanet 457351, MedGen C4225276, MONDO:0014698, OMIM 616577.

Allele frequency attached by ClinVar (database versions not stated): TOPMed below 0.00001; ExAC 0.00001; gnomAD 0.00001 and 0.00002; gnomAD exomes 0.00001; ESP Exome Variant Server 0.00008.
gnomAD v4.1: 17 of 1,613,930 alleles (0.0011%); highest among the groups gnomAD compares: East Asian, 0.0067%; no homozygotes.

Submission:

Labcorp Genetics (formerly Invitae), Labcorp
Classification: Uncertain significance for Microcephaly-intellectual disability-sensorineural hearing loss-epilepsy-abnormal muscle tone syndrome. Last evaluated: 2018-07-11. Review status: criteria provided, single submitter. Criteria: Invitae Variant Classification Sherloc (09022015). Collection method: clinical testing. Allele origin: germline.
Comment: In summary, the available evidence is currently insufficient to determine the role of this variant in disease. Therefore, it has been classified as a Variant of Uncertain Significance. Algorithms developed to predict the effect of missense changes on protein structure and function are either unavailable or do not agree on the potential impact of this missense change (SIFT: "Deleterious"; PolyPhen-2: "Probably Damaging"; Align-GVGD: "Class C0"). This variant has not been reported in the literature in individuals with SPATA5-related disease. This variant is present in population databases (rs138229076, ExAC 0.001%). This sequence change replaces aspartic acid with asparagine at codon 747 of the SPATA5 protein (p.Asp747Asn). The aspartic acid residue is highly conserved and there is a small physicochemical difference between aspartic acid and asparagine.